The following is an entry in ClinVar:

ClinVar aggregate classification (germline): Pathogenic (1 of 4 stars; one submission).

Conditions:
Carney complex, type 1 (CNC1). Also called: CARNEY COMPLEX, TYPE I; CARNEY MYXOMA-ENDOCRINE COMPLEX. Identifiers: Orphanet 1359, MedGen C2607929, MONDO:0008057, OMIM 160980.

Submission:

Labcorp Genetics (formerly Invitae), Labcorp
Classification: Pathogenic for Carney complex, type 1. Last evaluated: 2019-09-24. Review status: criteria provided, single submitter. Criteria: Invitae Variant Classification Sherloc (09022015). Collection method: clinical testing. Allele origin: germline.
Comment: For these reasons, this variant has been classified as Pathogenic. Loss-of-function variants in PRKAR1A are known to be pathogenic (PMID: 11115848, 19293268). This variant has not been reported in the literature in individuals with PRKAR1A-related conditions. This variant is not present in population databases (ExAC no frequency). This sequence change creates a premature translational stop signal (p.Glu257Valfs*12) in the PRKAR1A gene. It is expected to result in an absent or disrupted protein product.

Literature cited by the submitters: PubMed 11115848; PubMed 19293268.

NC_000017.11:g.68528868AG[1]

Gene: PRKAR1A (protein kinase cAMP-dependent type I regulatory subunit alpha; plus strand). Cytogenetic location: 17q24.2.
Variant type: Microsatellite.
Genome position: GRCh38 VCF-style: chr17-68528867-CAG-C. GRCh37 (hg19) VCF-style: chr17-66525008-CAG-C.
Identifiers: ClinVar variation 933955 (VCV000933955.9), dbSNP rs2085876656, ClinGen allele CA2272258561.